The following is an entry in ClinVar:

NM_002528.7(NTHL1):c.250T>C (p.Trp84Arg)

Gene: NTHL1 (nth like DNA glycosylase 1; minus strand). Cytogenetic location: 16p13.3.
Variant type: single nucleotide variant.
Coding change: c.250T>C on transcript NM_002528.7 (MANE Select); coding-DNA position 250, T replaced by C.
Protein change: p.Trp84Arg; replaces tryptophan 84 with arginine.
Molecular consequence: missense variant. On other transcripts: intron variant (1).
Genome position (GRCh38, 1-based): chr16:2,046,232, A>G on the plus strand (T>C on the coding strand, the complement: NTHL1 is on the minus strand). VCF-style: chr16-2046232-A-G. GRCh37 (hg19) VCF-style: chr16-2096233-A-G.
Other names: c.250T>C, p.Trp84Arg (NM_001318193.2); c.24+48T>C (NM_001318194.2); short protein forms W84R.
Identifiers: ClinVar variation 3222667 (VCV003222667.1), dbSNP rs2548320177, ClinGen allele CA394297138.

ClinVar aggregate classification (germline): Uncertain significance (1 of 4 stars; one submission).

Conditions:
Hereditary cancer-predisposing syndrome. Also called: Tumor predisposition; Hereditary neoplastic syndrome; Hereditary Cancer Syndrome; Neoplastic Syndromes, Hereditary. Identifiers: Orphanet 140162, MedGen C0027672, MeSH D009386, MONDO:0015356.

Submission:

Ambry Genetics
Classification: Uncertain significance for Hereditary cancer-predisposing syndrome. Last evaluated: 2024-02-25. Review status: criteria provided, single submitter. Criteria: Ambry Variant Classification Scheme 2023. Collection method: clinical testing. Allele origin: germline.
Comment: The p.W92R variant (also known as c.274T>C), located in coding exon 2 of the NTHL1 gene, results from a T to C substitution at nucleotide position 274. The tryptophan at codon 92 is replaced by arginine, an amino acid with dissimilar properties. This amino acid position is conserved. In addition, this alteration is predicted to be deleterious by in silico analysis. Based on the available evidence, the clinical significance of this alteration remains unclear.